The following is an entry in ClinVar:

ClinVar aggregate classification (germline): Uncertain significance (1 of 4 stars; one submission).

Conditions:
Cardiovascular phenotype. Identifiers: MedGen CN230736.

Allele frequency attached by ClinVar (database versions not stated): gnomAD exomes below 0.00001.
gnomAD v4.1: 2 of 1,612,538 alleles (0.00012%); highest among the groups gnomAD compares: Non-Finnish European, 0.00017%; no homozygotes.

Submission:

Ambry Genetics
Classification: Uncertain significance for Cardiovascular phenotype. Last evaluated: 2021-07-08. Review status: criteria provided, single submitter. Criteria: Ambry Variant Classification Scheme 2023. Collection method: clinical testing. Allele origin: germline.
Comment: The p.P1515S variant (also known as c.4543C>T), located in coding exon 11 of the TNXB gene, results from a C to T substitution at nucleotide position 4543. The proline at codon 1515 is replaced by serine, an amino acid with similar properties. This amino acid position is conserved. In addition, this alteration is predicted to be tolerated by in silico analysis. Since supporting evidence is limited at this time, the clinical significance of this alteration remains unclear.

NM_001365276.2(TNXB):c.4543C>T (p.Pro1515Ser)

Gene: TNXB (tenascin XB; minus strand). Cytogenetic location: 6p21.33.
Variant type: single nucleotide variant.
Coding change: c.4543C>T on transcript NM_001365276.2 (MANE Select); coding-DNA position 4543, C replaced by T.
Protein change: p.Pro1515Ser; replaces proline 1515 with serine.
Molecular consequence: missense variant.
Genome position (GRCh38, 1-based): chr6:32,073,785, G>A on the plus strand (C>T on the coding strand, the complement: TNXB is on the minus strand). VCF-style: chr6-32073785-G-A. GRCh37 (hg19) VCF-style: chr6-32041562-G-A.
Other names: c.4543C>T, p.Pro1515Ser (NM_019105.8); short protein forms P1515S.
Identifiers: ClinVar variation 1741376 (VCV001741376.2), dbSNP rs1437665984, ClinGen allele CA363424356.